The following is an entry in ClinVar:

NM_001904.4(CTNNB1):c.1788del (p.Pro597fs)

Gene: CTNNB1 (catenin beta 1; plus strand). Cytogenetic location: 3p22.1.
Variant type: Deletion.
Coding change: c.1788del on transcript NM_001904.4 (MANE Select); coding-DNA position 1788, one base deleted (T; older notation c.1788delT).
Protein change: p.Pro597fs; shifts the reading frame from proline 597.
Molecular consequence: frameshift variant.
Genome position (GRCh38, 1-based): chr3:41,235,828, T deleted; the last of 2 consecutive T bases (chr3:41,235,827-41,235,828); deleting either gives the same sequence. VCF-style (leftmost placement, unchanged base first): chr3-41235826-AT-A. GRCh37 (hg19) VCF-style: chr3-41277317-AT-A.
Other names: c.1788del, p.Pro597fs (NM_001098209.2, NM_001098210.2); c.1767del, p.Pro590fs (NM_001330729.2); short protein forms P590fs, P597fs.
Identifiers: ClinVar variation 1457472 (VCV001457472.6), dbSNP rs2125645038, ClinGen allele CA2573136945.

ClinVar aggregate classification (germline): Pathogenic (1 of 4 stars; one submission).

Submission:

Labcorp Genetics (formerly Invitae), Labcorp
Classification: Pathogenic. Last evaluated: 2023-04-24. Review status: criteria provided, single submitter. Criteria: Invitae Variant Classification Sherloc (09022015). Collection method: clinical testing. Allele origin: germline.
Comment: This variant has not been reported in the literature in individuals affected with CTNNB1-related conditions. This variant is not present in population databases (gnomAD no frequency). This sequence change creates a premature translational stop signal (p.Pro597Hisfs*17) in the CTNNB1 gene. It is expected to result in an absent or disrupted protein product. Loss-of-function variants in CTNNB1 are known to be pathogenic (PMID: 23033978, 24614104, 25326669, 26350204, 28575650). ClinVar contains an entry for this variant (Variation ID: 1457472). For these reasons, this variant has been classified as Pathogenic.

Literature cited by the submitters: PubMed 23033978; PubMed 24614104; PubMed 25326669; PubMed 26350204; PubMed 28575650.